The following is an entry in ClinVar:

ClinVar aggregate classification (germline): Uncertain significance. Review status: criteria provided, multiple submitters, no conflicts (2 of 4 stars). 3 submissions from 3 submitters: Uncertain significance (2). 1 of the submissions does not count toward it. Last evaluated 2025-01-22.

Conditions:
PNLIP-related disorder. Also called: PNLIP-related condition.

Allele frequency attached by ClinVar (database versions not stated): ExAC 0.00013; ESP Exome Variant Server 0.00031; TOPMed 0.00032; gnomAD 0.00034; 1000 Genomes Project 0.00120; 1000 Genomes Project 30x 0.00125.

Submissions (3):

Ambry Genetics
Classification: Uncertain significance. Last evaluated: 2025-01-22. Review status: criteria provided, single submitter. Criteria: Ambry Variant Classification Scheme 2023. Collection method: clinical testing. Allele origin: germline.

Labcorp Genetics (formerly Invitae), Labcorp
Classification: Uncertain significance. Last evaluated: 2022-08-03. Review status: criteria provided, single submitter. Criteria: Invitae Variant Classification Sherloc (09022015). Collection method: clinical testing. Allele origin: germline.
Comment: This sequence change replaces glycine, which is neutral and non-polar, with aspartic acid, which is acidic and polar, at codon 157 of the PNLIP protein (p.Gly157Asp). This variant is present in population databases (rs148864963, gnomAD 0.1%), and has an allele count higher than expected for a pathogenic variant. This variant has not been reported in the literature in individuals affected with PNLIP-related conditions. Algorithms developed to predict the effect of missense changes on protein structure and function output the following: SIFT: "Not Available"; PolyPhen-2: "Benign"; Align-GVGD: "Not Available". The aspartic acid amino acid residue is found in multiple mammalian species, which suggests that this missense change does not adversely affect protein function. In summary, the available evidence is currently insufficient to determine the role of this variant in disease. Therefore, it has been classified as a Variant of Uncertain Significance.

PreventionGenetics, part of Exact Sciences
Classification: Uncertain significance for PNLIP-related condition. Last evaluated: 2024-07-10. Review status: no assertion criteria provided. Collection method: clinical testing. Allele origin: germline. Not counted in ClinVar's aggregate classification.
Comment: The PNLIP c.470G>A variant is predicted to result in the amino acid substitution p.Gly157Asp. To our knowledge, this variant has not been reported in the literature. This variant is reported in 0.11% of alleles in individuals of African descent in gnomAD. Although we suspect that this variant may be benign, at this time, the clinical significance of this variant is uncertain due to the absence of conclusive functional and genetic evidence.

NM_000936.4(PNLIP):c.470G>A (p.Gly157Asp)

Gene: PNLIP (pancreatic lipase; plus strand). Cytogenetic location: 10q25.3.
Variant type: single nucleotide variant.
Coding change: c.470G>A on transcript NM_000936.4 (MANE Select); coding-DNA position 470, G replaced by A.
Protein change: p.Gly157Asp; replaces glycine 157 with aspartic acid.
Molecular consequence: missense variant.
Genome position (GRCh38, 1-based): chr10:116,553,737, G>A. VCF-style: chr10-116553737-G-A. GRCh37 (hg19) VCF-style: chr10-118313249-G-A.
Other names: c.470G>A (NM_000936.2, NM_000936.3); short protein forms G157D.
Identifiers: ClinVar variation 2180321 (VCV002180321.4), dbSNP rs148864963, ClinGen allele CA5706503.
Genomic context (GRCh38, chr10:116,553,737, plus strand): 5'-AACTCATGACTGCACTTGAAAACATTCTGAAAAGGTTTTCTTTCCGACAGTCGGCGTTCG[G>A]TTACTCACCTTCCAATGTGCATGTCATTGGCCACAGCCTGGGTGCCCACGCTGCTGGGGA-3'
Protein context (NP_000927.1, residues 147-167): YFVEFLQSAF[Gly157Asp]YSPSNVHVIG